The following is an entry in ClinVar:

NM_001131005.2(MEF2C):c.-143+4144CCT[8]

Genes: MEF2C (myocyte enhancer factor 2C; minus strand), MEF2C-AS1 (MEF2C antisense RNA 1; plus strand). Cytogenetic location: 5q14.3.
Variant type: Microsatellite.
Coding change: c.-143+4144CCT[8] on transcript NM_001131005.2; eight copies in a row of the 3-base unit CCT starting at c.-143+4144; the reference has seven copies in a row; one copy, 3 bases duplicated.
Molecular consequence: intron variant. On other transcripts: non-coding transcript variant (3).
Genome position (GRCh38, 1-based): chr5:88,883,338-88,883,340, AGG duplicated on the plus strand (CCT on the coding strand, the reverse complement: MEF2C is on the minus strand); duplicating any 3 consecutive bases within chr5:88,883,338-88,883,360 gives the same sequence; the position shown is the placement nearest the transcript's 3' end. VCF-style (leftmost placement, unchanged base first): chr5-88883337-A-AAGG. GRCh37 (hg19) VCF-style: chr5-88179154-A-AAGG.
Other names: c.-140+4144CCT[8] (NM_001364329.2, NM_001364334.2); c.-143+4144CCT[8] (NM_001364330.2, NM_001193347.1); c.-143+1131CCT[8] (NM_001364345.2, NM_001364335.2).
Identifiers: ClinVar variation 354604 (VCV000354604.35), dbSNP rs567979916, ClinGen allele CA10625398.

ClinVar aggregate classification (germline): Benign (1 of 4 stars; one submission).

Submission:

CeGaT Center for Human Genetics Tuebingen
Classification: Benign. Last evaluated: 2026-09-01. Review status: criteria provided, single submitter. Criteria: CeGaT Center For Human Genetics Tuebingen Variant Classification Criteria Version 2. Collection method: clinical testing. Allele origin: germline. Affected: yes. Observed: 64 variant alleles.
Comment: MEF2C: BS1, BS2